The following is an entry in ClinVar:

ClinVar aggregate classification (germline): Uncertain significance (1 of 4 stars; one submission).

Allele frequency attached by ClinVar (database versions not stated): TOPMed below 0.00001; gnomAD exomes 0.00001.
gnomAD v4.1: 12 of 1,613,904 alleles (0.00074%); highest among the groups gnomAD compares: South Asian, 0.0033%; no homozygotes.

Submission:

Labcorp Genetics (formerly Invitae), Labcorp
Classification: Uncertain significance. Last evaluated: 2022-07-19. Review status: criteria provided, single submitter. Criteria: Invitae Variant Classification Sherloc (09022015). Collection method: clinical testing. Allele origin: germline.
Comment: This sequence change replaces isoleucine with valine at codon 716 of the ADAMTS18 protein (p.Ile716Val). The isoleucine residue is highly conserved and there is a small physicochemical difference between isoleucine and valine. This variant is present in population databases (no rsID available, gnomAD 0.003%). This variant has not been reported in the literature in individuals affected with ADAMTS18-related conditions. ClinVar contains an entry for this variant (Variation ID: 1432668). Algorithms developed to predict the effect of missense changes on protein structure and function are either unavailable or do not agree on the potential impact of this missense change (SIFT: "Not Available"; PolyPhen-2: "Benign"; Align-GVGD: "Not Available"). Algorithms developed to predict the effect of sequence changes on RNA splicing suggest that this variant may disrupt the consensus splice site. In summary, the available evidence is currently insufficient to determine the role of this variant in disease. Therefore, it has been classified as a Variant of Uncertain Significance.

NM_199355.4(ADAMTS18):c.2146A>G (p.Ile716Val)

Gene: ADAMTS18 (ADAM metallopeptidase with thrombospondin type 1 motif 18; minus strand). Cytogenetic location: 16q23.1.
Variant type: single nucleotide variant.
Coding change: c.2146A>G on transcript NM_199355.4 (MANE Select); coding-DNA position 2146, A replaced by G.
Protein change: p.Ile716Val; replaces isoleucine 716 with valine.
Molecular consequence: missense variant.
Genome position (GRCh38, 1-based): chr16:77,322,353, T>C on the plus strand (A>G on the coding strand, the complement: ADAMTS18 is on the minus strand). VCF-style: chr16-77322353-T-C. GRCh37 (hg19) VCF-style: chr16-77356250-T-C.
Other names: c.1630A>G, p.Ile544Val (NM_001326358.2); short protein forms I716V, I544V.
Identifiers: ClinVar variation 1432668 (VCV001432668.4), dbSNP rs1004810983, ClinGen allele CA284392714.